The following is an entry in ClinVar:

ClinVar aggregate classification (germline): Likely benign (1 of 4 stars; one submission).

Allele frequency attached by ClinVar (database versions not stated): TOPMed 0.00062; ESP Exome Variant Server 0.00100; 1000 Genomes Project 30x 0.00109; 1000 Genomes Project 0.00120; gnomAD exomes 0.00140 and 0.00185; ExAC 0.00149; gnomAD 0.00166 and 0.00171.
gnomAD v4.1: 2,236 of 1,594,352 alleles (0.14%); highest among the groups gnomAD compares: Non-Finnish European, 0.11%; 6 homozygotes.

Submission:

GeneDx
Classification: Likely benign. Last evaluated: 2021-12-06. Review status: criteria provided, single submitter. Criteria: GeneDx Variant Classification Process June 2021. Collection method: clinical testing. Allele origin: germline. Affected: yes.
Comment: See Variant Classification Assertion Criteria.

NM_007055.4(POLR3A):c.4024+40A>G

Gene: POLR3A (RNA polymerase III subunit A; minus strand). Cytogenetic location: 10q22.3.
Variant type: single nucleotide variant.
Coding change: c.4024+40A>G on transcript NM_007055.4 (MANE Select); 40 bases into the intron after coding-DNA position 4024, A replaced by G.
Molecular consequence: intron variant.
Genome position (GRCh38, 1-based): chr10:77,980,101, T>C on the plus strand (A>G on the coding strand, the complement: POLR3A is on the minus strand). VCF-style: chr10-77980101-T-C. GRCh37 (hg19) VCF-style: chr10-79739859-T-C.
Identifiers: ClinVar variation 1691148 (VCV001691148.2), dbSNP rs182372245, ClinGen allele CA5570623.